The following continues an entry in ClinVar:

NM_000059.4(BRCA2):c.6412G>T (p.Val2138Phe)

Gene: BRCA2. ClinVar aggregate classification (germline): Conflicting classifications of pathogenicity. Uncertain significance (1); Benign (14); Likely benign (9).

Submissions 19 to 34 of 34:

Clinical Genetics DNA and cytogenetics Diagnostics Lab, Erasmus MC, Erasmus Medical Center
Classification: Likely benign for Breast-ovarian cancer, familial, susceptibility to, 2. Last evaluated: 2015-09-21. Review status: criteria provided, single submitter. Criteria: ACGS Guidelines, 2013. Collection method: clinical testing. Allele origin: germline. Affected: yes. Study: VKGL Data-share Consensus.

Color Diagnostics, LLC DBA Color Health
Classification: Likely benign for Hereditary cancer-predisposing syndrome. Last evaluated: 2015-03-10. Review status: criteria provided, single submitter. Criteria: ACMG Guidelines, 2015. Collection method: clinical testing. Allele origin: germline.

Ambry Genetics
Classification: Benign for Hereditary cancer-predisposing syndrome. Last evaluated: 2014-11-19. Review status: criteria provided, single submitter. Criteria: Ambry Variant Classification Scheme 2023. Collection method: clinical testing. Allele origin: germline.

Women's Health and Genetics/Laboratory Corporation of America, LabCorp
Classification: Benign for Hereditary breast ovarian cancer syndrome. Last evaluated: 2014-09-29. Review status: criteria provided, single submitter. Criteria: LabCorp Variant Classification Summary - May 2015. Collection method: clinical testing. Allele origin: germline.

Eurofins Ntd Llc (ga)
Classification: Benign. Last evaluated: 2014-08-04. Review status: criteria provided, single submitter. Criteria: EGL Classification Definitions 2015. Collection method: clinical testing. Allele origin: germline. Observed: 1 variant allele, 1 heterozygote.

Clinical and Functional Genomics Group, A.C.Camargo Cancer Center
Classification: Uncertain significance for Breast Cancer. Review status: criteria provided, single submitter. Criteria: Silva et al. (BMC Med Genet. 2014). Collection method: research. Allele origin: germline. Affected: yes.

Mayo Clinic Laboratories, Mayo Clinic
Classification: Likely benign. Last evaluated: 2018-02-01. Review status: no assertion criteria provided. Collection method: clinical testing. Allele origin: unknown. Not counted in ClinVar's aggregate classification.

Counsyl
Classification: Benign for Breast-ovarian cancer, familial 2. Last evaluated: 2014-01-21. Review status: no assertion criteria provided. Collection method: literature only. Allele origin: unknown. Inheritance: Autosomal dominant inheritance. Not counted in ClinVar's aggregate classification.

ITMI
No classification provided. Condition: AllHighlyPenetrant. Last evaluated: 2013-09-19. Review status: no classification provided. Collection method: reference population. Allele origin: germline. Not counted in ClinVar's aggregate classification.
Comment: Please see associated publication for description of ethnicities

Sharing Clinical Reports Project (SCRP)
Classification: Benign for Breast-ovarian cancer, familial 2. Last evaluated: 2012-05-01. Review status: no assertion criteria provided. Collection method: clinical testing. Allele origin: germline. Not counted in ClinVar's aggregate classification.

Breast Cancer Information Core (BIC) (BRCA2)
Classification: Uncertain significance for Breast-ovarian cancer, familial 2. Last evaluated: 2002-05-29. Review status: no assertion criteria provided. Collection method: clinical testing. Allele origin: germline. Affected: yes. Observed: 36 variant alleles. Not counted in ClinVar's aggregate classification.

Clinical Genetics Laboratory, Department of Pathology, Netherlands Cancer Institute
Classification: Benign. Review status: no assertion criteria provided. Collection method: clinical testing. Allele origin: germline. Affected: yes. Study: VKGL Data-share Consensus. Not counted in ClinVar's aggregate classification.

Department of Pathology and Laboratory Medicine, Sinai Health System
Classification: Benign. Review status: no assertion criteria provided. Collection method: clinical testing. Allele origin: unknown. Affected: yes. Observed: 1 variant allele. Study: The Canadian Open Genetics Repository (COGR). Not counted in ClinVar's aggregate classification.
Comment: The p.Val2138Phe variant has been identified in 4 out of 4579 proband chromosomes (frequency 0.001) in individuals with unilateral, contralateral and familial breast cancer phenotype, and also found in 1 out of 190 control chromosomes (frequency 0.005) included in these studies (Wagner 1999, Capanu 2011, Thesis (South African)). It is listed in dbSNP database coming from a â€šÃ„Ãºclinical sourceâ€šÃ„Ã¹ (ID#: rs11571659) with a â€šÃ„Ãºglobal minor allele frequency of 0.001 (1000 genomes), therefore increasing the likelihood that this variant is benign. This residue is not highly conserved in mammals and computational analyses (PolyPhen, SIFT, AlignGVGD) do not suggest a high likelihood of impact to the protein. In the UMD database, this variant has been identified in 1 (out of 5) individuals with breast or ovarian cancers, where a second pathogenic BRCA1 mutation was also detected, further suggesting that this is a benign variant. In addition, Myriad genetics has reported this variant as a polymorphism increasing the likelihood this variant is benign (personal communication). In summary, based on above information this variant is classified as Benign.

Genome Diagnostics Laboratory, University Medical Center Utrecht
Classification: Likely benign. Review status: no assertion criteria provided. Collection method: clinical testing. Allele origin: germline. Affected: yes. Study: VKGL Data-share Consensus. Not counted in ClinVar's aggregate classification.

Joint Genome Diagnostic Labs from Nijmegen and Maastricht, Radboudumc and MUMC+
Classification: Likely benign. Review status: no assertion criteria provided. Collection method: clinical testing. Allele origin: germline. Affected: yes. Study: VKGL Data-share Consensus. Not counted in ClinVar's aggregate classification.

Laboratory of Diagnostic Genome Analysis, Leiden University Medical Center (LUMC)
Classification: Likely benign. Review status: no assertion criteria provided. Collection method: clinical testing. Allele origin: germline. Affected: yes. Study: VKGL Data-share Consensus. Not counted in ClinVar's aggregate classification.

Literature cited by the submitters: DOI 10.3389/fgene.2022.834265 (cited by National Health Laboratory Service, Universitas Academic Hospital and University of the Free State); PubMed 36329109 (cited by Genetics Program, Instituto Nacional de Cancer); PubMed 22811390 (cited by Illumina Laboratory Services, Illumina); PubMed 24884479 (cited by Illumina Laboratory Services, Illumina and Women's Health and Genetics/Laboratory Corporation of America, LabCorp); PubMed 20104584 (cited by Women's Health and Genetics/Laboratory Corporation of America, LabCorp); PubMed 21520273 (cited by Women's Health and Genetics/Laboratory Corporation of America, LabCorp); PubMed 18284688 (cited by Women's Health and Genetics/Laboratory Corporation of America, LabCorp); PubMed 17262179 (cited by Women's Health and Genetics/Laboratory Corporation of America, LabCorp); PubMed 22034289 (cited by Women's Health and Genetics/Laboratory Corporation of America, LabCorp); PubMed 22655046 (cited by Women's Health and Genetics/Laboratory Corporation of America, LabCorp); PubMed 23469205 (cited by Clinical and Functional Genomics Group, A.C.Camargo Cancer Center); PubMed 9971877 (cited by Counsyl); PubMed 24728327 (cited by ITMI).